The following is an entry in ClinVar:

NM_001267550.2(TTN):c.16695C>A (p.Cys5565Ter)

Gene: TTN (titin; minus strand). Cytogenetic location: 2q31.2.
Variant type: single nucleotide variant.
Coding change: c.16695C>A on transcript NM_001267550.2 (MANE Select); coding-DNA position 16695, C replaced by A.
Protein change: p.Cys5565Ter; replaces cysteine 5565 with a stop codon.
Molecular consequence: nonsense. On other transcripts: intron variant (3).
Genome position (GRCh38, 1-based): chr2:178,732,274, G>T on the plus strand (C>A on the coding strand, the complement: TTN is on the minus strand). VCF-style: chr2-178732274-G-T. GRCh37 (hg19) VCF-style: chr2-179597001-G-T.
Other names: c.15744C>A, p.Cys5248Ter (NM_001256850.1); c.12963C>A, p.Cys4321Ter (NM_133378.4); c.13282+5808C>A (NM_003319.4); c.13858+5808C>A (NM_133437.4); c.13657+5808C>A (NM_133432.3); short protein forms C5248*, C5565*, C4321*.
Identifiers: ClinVar variation 423829 (VCV000423829.2), dbSNP rs1064796647, ClinGen allele CA16617381.

ClinVar aggregate classification (germline): Uncertain significance (1 of 4 stars; one submission).

Submission:

GeneDx
Classification: Uncertain significance. Last evaluated: 2017-02-22. Review status: criteria provided, single submitter. Criteria: GeneDx Variant Classification (06012015). Collection method: clinical testing. Allele origin: germline. Affected: yes.
Comment: The C4321X variant in the TTN gene has not been reported previously as a pathogenic variant nor as a benign variant, to our knowledge. This variant is predicted to cause loss of normal protein function either through protein truncation or nonsense-mediated mRNA decay, and it is located in the I-band. The C4321X variant is not observed in large population cohorts (Lek et al., 2016; 1000 Genomes Consortium et al., 2015; Exome Variant Server). We interpret C4321X as a variant of uncertain significance.